The following is an entry in ClinVar:

NM_000154.2(GALK1):c.866C>T (p.Ala289Val)

Gene: GALK1 (galactokinase 1; minus strand). Cytogenetic location: 17q25.1.
Variant type: single nucleotide variant.
Coding change: c.866C>T on transcript NM_000154.2 (MANE Select); coding-DNA position 866, C replaced by T.
Protein change: p.Ala289Val; replaces alanine 289 with valine.
Molecular consequence: missense variant.
Genome position (GRCh38, 1-based): chr17:75,758,527, G>A on the plus strand (C>T on the coding strand, the complement: GALK1 is on the minus strand). VCF-style: chr17-75758527-G-A. GRCh37 (hg19) VCF-style: chr17-73754608-G-A.
Other names: c.866C>T (NM_000154.1); c.866C>T, p.Ala289Val (NM_001381985.1); short protein forms A289V.
Identifiers: ClinVar variation 2159693 (VCV002159693.2), dbSNP rs749725978, ClinGen allele CA8770803.

ClinVar aggregate classification (germline): Uncertain significance. Review status: criteria provided, multiple submitters, no conflicts (2 of 4 stars). 2 submissions from 2 submitters: Uncertain significance (2). Last evaluated 2021-12-25.

Conditions:
Inborn genetic diseases. Identifiers: MedGen C0950123, MeSH D030342.
Deficiency of galactokinase. Also called: GALACTOSEMIA II; Galactokinase deficiency with cataracts. Identifiers: Orphanet 352, Orphanet 79237, MedGen C0268155, MONDO:0009255, OMIM 230200.

Allele frequency attached by ClinVar (database versions not stated): ExAC 0.00002.
gnomAD v4.1: 6 of 1,590,484 alleles (0.00038%); highest among the groups gnomAD compares: South Asian, 0.0045%; no homozygotes.

Submissions (2):

Labcorp Genetics (formerly Invitae), Labcorp
Classification: Uncertain significance for Deficiency of galactokinase. Last evaluated: 2021-12-25. Review status: criteria provided, single submitter. Criteria: Invitae Variant Classification Sherloc (09022015). Collection method: clinical testing. Allele origin: germline.
Comment: This sequence change replaces alanine, which is neutral and non-polar, with valine, which is neutral and non-polar, at codon 289 of the GALK1 protein (p.Ala289Val). The frequency data for this variant in the population databases is considered unreliable, as metrics indicate poor data quality at this position in the gnomAD database. This variant has not been reported in the literature in individuals affected with GALK1-related conditions. Algorithms developed to predict the effect of missense changes on protein structure and function (SIFT, PolyPhen-2, Align-GVGD) all suggest that this variant is likely to be tolerated. In summary, the available evidence is currently insufficient to determine the role of this variant in disease. Therefore, it has been classified as a Variant of Uncertain Significance.

Ambry Genetics
Classification: Uncertain significance for Inborn genetic diseases. Last evaluated: 2021-10-12. Review status: criteria provided, single submitter. Criteria: Ambry Variant Classification Scheme 2023. Collection method: clinical testing. Allele origin: germline.